The following is an entry in ClinVar:

NM_000135.4(FANCA):c.2364C>T (p.Ala788=)

Gene: FANCA (FA complementation group A; minus strand). Cytogenetic location: 16q24.3.
Variant type: single nucleotide variant.
Coding change: c.2364C>T on transcript NM_000135.4 (MANE Select); coding-DNA position 2364, C replaced by T.
Protein change: p.Ala788=; no amino-acid change (alanine 788 retained).
Molecular consequence: synonymous variant.
Genome position (GRCh38, 1-based): chr16:89,769,977, G>A on the plus strand (C>T on the coding strand, the complement: FANCA is on the minus strand). VCF-style: chr16-89769977-G-A. GRCh37 (hg19) VCF-style: chr16-89836385-G-A.
Other names: c.2364C>T (LRG_495t1, NM_000135.3); c.2364C>T, p.Ala788= (NM_001286167.3).
Identifiers: ClinVar variation 414837 (VCV000414837.19), dbSNP rs149754397, ClinGen allele CA8251744.

ClinVar aggregate classification (germline): Benign/Likely benign. Review status: criteria provided, multiple submitters, no conflicts (2 of 4 stars). 8 submissions from 8 submitters: Benign (3); Likely benign (4). 1 of the submissions does not count toward it. Last evaluated 2026-07-01.

Conditions:
Fanconi anemia complementation group A (FANCA). Also called: FANCA-Related Fanconi Anemia; Fanconi anemia, group A. Identifiers: Orphanet 84, MedGen C3469521, MONDO:0009215, OMIM 227650.
FANCA-related disorder. Also called: FANCA-related condition.
Inborn genetic diseases. Identifiers: MedGen C0950123, MeSH D030342.
Fanconi anemia (FA). Also called: Fanconi's anemia. Identifiers: Orphanet 84, MedGen C0015625, MeSH D005199, MONDO:0019391.

Allele frequency attached by ClinVar (database versions not stated): gnomAD 0.00064; TOPMed 0.00069; 1000 Genomes Project 30x 0.00094; 1000 Genomes Project 0.00100; ESP Exome Variant Server 0.00123.
gnomAD v4.1: 235 of 1,613,914 alleles (0.015%); highest among the groups gnomAD compares: African/African-American, 0.21%; no homozygotes.

Submissions (8):

CeGaT Center for Human Genetics Tuebingen
Classification: Likely benign. Last evaluated: 2026-07-01. Review status: criteria provided, single submitter. Criteria: CeGaT Center For Human Genetics Tuebingen Variant Classification Criteria Version 2. Collection method: clinical testing. Allele origin: germline. Affected: yes. Observed: 1 variant allele.
Comment: FANCA: BP4, BP7

Labcorp Genetics (formerly Invitae), Labcorp
Classification: Benign for Fanconi anemia. Last evaluated: 2026-01-20. Review status: criteria provided, single submitter. Criteria: Invitae Variant Classification Sherloc (09022015). Collection method: clinical testing. Allele origin: germline.

Blueprint Genetics
Classification: Likely benign. Last evaluated: 2024-11-21. Review status: criteria provided, single submitter. Criteria: ACMG Guidelines, 2015. Collection method: clinical testing. Allele origin: germline.

Ambry Genetics
Classification: Likely benign for Inborn genetic diseases. Last evaluated: 2024-10-02. Review status: criteria provided, single submitter. Criteria: Ambry Variant Classification Scheme 2023. Collection method: clinical testing. Allele origin: germline.

KCCC/NGS Laboratory, Kuwait Cancer Control Center
Classification: Benign for Fanconi anemia complementation group A. Last evaluated: 2023-07-07. Review status: criteria provided, single submitter. Criteria: ACMG Guidelines, 2015. Collection method: clinical testing. Allele origin: germline. Affected: yes.

Quest Diagnostics Nichols Institute San Juan Capistrano
Classification: Benign. Last evaluated: 2022-04-13. Review status: criteria provided, single submitter. Criteria: Quest Diagnostics criteria. Collection method: clinical testing. Allele origin: unknown.

Sema4
Classification: Likely benign for Fanconi anemia. Last evaluated: 2021-01-25. Review status: criteria provided, single submitter. Criteria: Sema4 Curation Guidelines. Collection method: curation. Allele origin: germline.

PreventionGenetics, part of Exact Sciences
Classification: Likely benign for FANCA-related condition. Last evaluated: 2019-07-31. Review status: no assertion criteria provided. Collection method: clinical testing. Allele origin: germline. Not counted in ClinVar's aggregate classification.
Comment: This variant is classified as likely benign based on ACMG/AMP sequence variant interpretation guidelines (Richards et al. 2015 PMID: 25741868, with internal and published modifications).